The following is an entry in ClinVar:

NM_003242.6(TGFBR2):c.-5C>T

Gene: TGFBR2 (transforming growth factor beta receptor 2; plus strand). Cytogenetic location: 3p24.1.
Variant type: single nucleotide variant.
Coding change: c.-5C>T on transcript NM_003242.6 (MANE Select); 5 bases upstream of the start codon, C replaced by T.
Molecular consequence: 5 prime UTR variant. On other transcripts: intron variant (2).
Genome position (GRCh38, 1-based): chr3:30,606,879, C>T. VCF-style: chr3-30606879-C-T. GRCh37 (hg19) VCF-style: chr3-30648371-C-T.
Other names: c.-5C>T (NM_001407137.1, NM_001407138.1, NM_001407139.1 and 4 more transcripts); c.-12+286C>T (NM_001407129.1, NM_001407132.1); c.-288C>T (NM_001407133.1); c.-166C>T (NM_001407134.1); c.-213C>T (NM_001407135.1); c.-298C>T (NM_001407136.1).
Identifiers: ClinVar variation 2774559 (VCV002774559.2), dbSNP rs2125438616, ClinGen allele CA2664866747.

ClinVar aggregate classification (germline): Uncertain significance (1 of 4 stars; one submission).

Conditions:
Familial thoracic aortic aneurysm and aortic dissection (TAAD). Also called: Thoracic aortic aneurysms and dissections. Identifiers: Orphanet 91387, MedGen C4707243, MONDO:0019625.

Submission:

Color Diagnostics, LLC DBA Color Health
Classification: Uncertain significance for Familial thoracic aortic aneurysm and aortic dissection. Last evaluated: 2021-12-15. Review status: criteria provided, single submitter. Criteria: ACMG Guidelines, 2015. Collection method: clinical testing. Allele origin: germline.
Comment: This variant changes 1 nucleotide in the 5' untranslated region of the TGFBR2 gene. To our knowledge, functional studies have not been reported for this variant. This variant has not been reported in individuals affected with cardiovascular disorders in the literature. This variant has not been identified in the general population by the Genome Aggregation Database (gnomAD). The available evidence is insufficient to determine the role of this variant in disease conclusively. Therefore, this variant is classified as a Variant of Uncertain Significance.